The following is an entry in ClinVar:

ClinVar aggregate classification (germline): Benign/Likely benign. Review status: criteria provided, multiple submitters, no conflicts (2 of 4 stars). 5 submissions from 5 submitters: Benign (3); Likely benign (2). Last evaluated 2026-02-01.

Allele frequency attached by ClinVar (database versions not stated): gnomAD exomes 0.00020 and 0.00051; ExAC 0.00073; gnomAD 0.00207 and 0.00224; ESP Exome Variant Server 0.00208; TOPMed 0.00234; 1000 Genomes Project 30x 0.00281; 1000 Genomes Project 0.00300.
gnomAD v4.1: 628 of 1,606,924 alleles (0.039%); highest among the groups gnomAD compares: African/African-American, 0.67%; 4 homozygotes.

Submissions (5):

Labcorp Genetics (formerly Invitae), Labcorp
Classification: Benign. Last evaluated: 2026-02-01. Review status: criteria provided, single submitter. Criteria: Invitae Variant Classification Sherloc (09022015). Collection method: clinical testing. Allele origin: germline.

Blueprint Genetics
Classification: Likely benign. Last evaluated: 2024-11-13. Review status: criteria provided, single submitter. Criteria: ACMG Guidelines, 2015. Collection method: clinical testing. Allele origin: germline.

CeGaT Center for Human Genetics Tuebingen
Classification: Likely benign. Last evaluated: 2023-05-01. Review status: criteria provided, single submitter. Criteria: CeGaT Center For Human Genetics Tuebingen Variant Classification Criteria Version 2. Collection method: clinical testing. Allele origin: germline. Affected: yes. Observed: 1 variant allele.
Comment: LEMD3: BP4, BS2

Eurofins Ntd Llc (ga)
Classification: Benign. Last evaluated: 2016-07-28. Review status: criteria provided, single submitter. Criteria: EGL Classification Definitions 2015. Collection method: clinical testing. Allele origin: germline. Observed: 1 variant allele, 1 heterozygote.

Breakthrough Genomics
Classification: Benign. Review status: criteria provided, single submitter. Criteria: ACMG Guidelines, 2015. Collection method: not provided. Allele origin: germline. Inheritance: Autosomal dominant inheritance. Affected: yes.

NM_014319.5(LEMD3):c.2388-7C>T

Gene: LEMD3 (LEM domain containing 3; plus strand). Cytogenetic location: 12q14.3.
Variant type: single nucleotide variant.
Coding change: c.2388-7C>T on transcript NM_014319.5 (MANE Select); 7 bases into the intron before coding-DNA position 2388, C replaced by T.
Molecular consequence: intron variant.
Genome position (GRCh38, 1-based): chr12:65,245,662, C>T. VCF-style: chr12-65245662-C-T. GRCh37 (hg19) VCF-style: chr12-65639442-C-T.
Other names: c.2385-7C>T (NM_001167614.2).
Identifiers: ClinVar variation 289667 (VCV000289667.40), dbSNP rs184015447, ClinGen allele CA6671219.